The following is an entry in ClinVar:

NM_005732.4(RAD50):c.2054dup (p.Arg686fs)

Gene: RAD50 (RAD50 double strand break repair protein; plus strand). Cytogenetic location: 5q31.1.
Variant type: Duplication.
Coding change: c.2054dup on transcript NM_005732.4 (MANE Select); coding-DNA position 2054, one base duplicated (A; older notation c.2054dupA).
Protein change: p.Arg686fs; shifts the reading frame from arginine 686.
Molecular consequence: frameshift variant.
Genome position (GRCh38, 1-based): chr5:132,595,657, A duplicated. VCF-style (leftmost placement, unchanged base first): chr5-132595656-C-CA. GRCh37 (hg19) VCF-style: chr5-131931348-C-CA.
Other names: c.2054dupA (NM_005732.3); short protein forms R686fs.
Identifiers: ClinVar variation 527348 (VCV000527348.9), dbSNP rs1554098683, ClinGen allele CA658796640.

ClinVar aggregate classification (germline): Pathogenic. Review status: criteria provided, multiple submitters, no conflicts (2 of 4 stars). 2 submissions from 2 submitters: Pathogenic (2). Last evaluated 2023-11-13.

Conditions:
Hereditary cancer-predisposing syndrome. Also called: Neoplastic Syndromes, Hereditary; Tumor predisposition; Hereditary Cancer Syndrome; Hereditary neoplastic syndrome. Identifiers: Orphanet 140162, MedGen C0027672, MeSH D009386, MONDO:0015356.

Allele frequency attached by ClinVar (database versions not stated): gnomAD exomes below 0.00001.

Submissions (2):

Labcorp Genetics (formerly Invitae), Labcorp
Classification: Pathogenic for Hereditary cancer-predisposing syndrome. Last evaluated: 2023-11-13. Review status: criteria provided, single submitter. Criteria: Invitae Variant Classification Sherloc (09022015). Collection method: clinical testing. Allele origin: germline.
Comment: This sequence change creates a premature translational stop signal (p.Arg686Glufs*8) in the RAD50 gene. It is expected to result in an absent or disrupted protein product. Loss-of-function variants in RAD50 are known to be pathogenic (PMID: 19409520). This variant is not present in population databases (gnomAD no frequency). This variant has not been reported in the literature in individuals affected with RAD50-related conditions. ClinVar contains an entry for this variant (Variation ID: 527348). For these reasons, this variant has been classified as Pathogenic.

Ambry Genetics
Classification: Pathogenic for Hereditary cancer-predisposing syndrome. Last evaluated: 2020-03-26. Review status: criteria provided, single submitter. Criteria: Ambry Variant Classification Scheme 2023. Collection method: clinical testing. Allele origin: germline.
Comment: The c.2054dupA pathogenic mutation, located in coding exon 13 of the RAD50 gene, results from a duplication of A at nucleotide position 2054, causing a translational frameshift with a predicted alternate stop codon (p.R686Efs*8). This alteration is expected to result in loss of function by premature protein truncation or nonsense-mediated mRNA decay. As such, this alteration is interpreted as a disease-causing mutation.

Literature cited by the submitters: PubMed 19409520 (cited by Labcorp Genetics (formerly Invitae), Labcorp).